The following is an entry in ClinVar:

ClinVar aggregate classification (germline): Uncertain significance (1 of 4 stars; one submission).

Submission:

GeneDx
Classification: Uncertain significance. Last evaluated: 2026-04-14. Review status: criteria provided, single submitter. Criteria: GeneDx Variant Classification Process June 2021. Collection method: clinical testing. Allele origin: germline.
Comment: Not observed at significant frequency in large population cohorts (gnomAD); In silico analysis supports that this missense variant has a deleterious effect on protein structure/function; Has not been previously published as pathogenic or benign to our knowledge

NM_020988.3(GNAO1):c.107T>C (p.Leu36Ser)

Gene: GNAO1 (G protein subunit alpha o1; plus strand). Cytogenetic location: 16q13.
Variant type: single nucleotide variant.
Coding change: c.107T>C on transcript NM_020988.3 (MANE Select); coding-DNA position 107, T replaced by C.
Protein change: p.Leu36Ser; replaces leucine 36 with serine.
Molecular consequence: missense variant.
Genome position (GRCh38, 1-based): chr16:56,192,342, T>C. VCF-style: chr16-56192342-T-C. GRCh37 (hg19) VCF-style: chr16-56226254-T-C.
Other names: c.107T>C, p.Leu36Ser (NM_138736.3); short protein forms L36S.
Identifiers: ClinVar variation 3381585 (VCV003381585.2).